The following is an entry in ClinVar:

NM_000069.3(CACNA1S):c.3807C>T (p.Tyr1269=)

Gene: CACNA1S (calcium voltage-gated channel subunit alpha1 S; minus strand). Cytogenetic location: 1q32.1.
Variant type: single nucleotide variant.
Coding change: c.3807C>T on transcript NM_000069.3 (MANE Select); coding-DNA position 3807, C replaced by T.
Protein change: p.Tyr1269=; no amino-acid change (tyrosine 1269 retained).
Molecular consequence: synonymous variant.
Genome position (GRCh38, 1-based): chr1:201,053,263, G>A on the plus strand (C>T on the coding strand, the complement: CACNA1S is on the minus strand). VCF-style: chr1-201053263-G-A. GRCh37 (hg19) VCF-style: chr1-201022391-G-A.
Identifiers: ClinVar variation 473991 (VCV000473991.14), dbSNP rs990173222, ClinGen allele CA36002580.
Genomic context (GRCh38, chr1:201,053,263, plus strand): 5'-TCTCACCTGCATGCCGATGACAGCGTAGATGAAGAAGAGCATGACGATGAGCAGAGCCAC[G>A]TAGGGTAGGGCCTGCAGGGCGGGCGGGAGCGCCAGTCAGTGTCTTAGGGCTCCACTGTGT-3'
Protein context (NP_000060.2, residues 1259-1279): TFIKSFQALP[Tyr1269=]VALLIVMLFF

ClinVar aggregate classification (germline): Likely benign. Review status: criteria provided, multiple submitters, no conflicts (2 of 4 stars). 4 submissions from 4 submitters: Likely benign (3). 1 of the submissions does not count toward it. Last evaluated 2025-03-03.

Conditions:
CACNA1S-related disorder. Also called: CACNA1S-related condition.
Malignant hyperthermia, susceptibility to, 5 (MHS5). Also called: CACNA1S-Related Malignant Hyperthermia Susceptibility. Identifiers: Orphanet 423, MedGen C1866077, MONDO:0011163, OMIM 601887.
Hypokalemic periodic paralysis, type 1. Also called: HypoPP; Hypokalemic Periodic Paralysis Type 1 (AD). Identifiers: Orphanet 681, MedGen C3714580, MONDO:0042979, OMIM 170400.

Allele frequency attached by ClinVar (database versions not stated): gnomAD exomes 0.00001; gnomAD 0.00003; TOPMed 0.00003.
gnomAD v4.1: 23 of 1,614,080 alleles (0.0014%); highest among the groups gnomAD compares: African/African-American, 0.0067%; no homozygotes.

Submissions (4):

Labcorp Genetics (formerly Invitae), Labcorp
Classification: Likely benign for Hypokalemic periodic paralysis, type 1; Malignant hyperthermia, susceptibility to, 5. Last evaluated: 2025-03-03. Review status: criteria provided, single submitter. Criteria: Invitae Variant Classification Sherloc (09022015). Collection method: clinical testing. Allele origin: germline.

All of Us Research Program, National Institutes of Health
Classification: Likely benign for Malignant hyperthermia, susceptibility to, 5. Last evaluated: 2023-12-01. Review status: criteria provided, single submitter. Criteria: ACMG Guidelines, 2015. Collection method: clinical testing. Allele origin: germline. Inheritance: Autosomal dominant inheritance. Observed: 4 variant alleles, 4 heterozygotes.
Comment: This study involves interpretation of variants in research participants for the purpose of population health screening. Participant phenotype was not available at the time of variant classification. Additional details can be found in publication PMID: 35346344, PMCID: PMC8962531

Color Diagnostics, LLC DBA Color Health
Classification: Likely benign for Malignant hyperthermia, susceptibility to, 5. Last evaluated: 2022-11-06. Review status: criteria provided, single submitter. Criteria: ACMG Guidelines, 2015. Collection method: clinical testing. Allele origin: germline.

PreventionGenetics, part of Exact Sciences
Classification: Likely benign for CACNA1S-related condition. Last evaluated: 2024-01-17. Review status: no assertion criteria provided. Collection method: clinical testing. Allele origin: germline. Not counted in ClinVar's aggregate classification.
Comment: This variant is classified as likely benign based on ACMG/AMP sequence variant interpretation guidelines (Richards et al. 2015 PMID: 25741868, with internal and published modifications).